The following is an entry in ClinVar:

NM_001365999.1(SZT2):c.2037+14T>C

Gene: SZT2 (SZT2 subunit of KICSTOR complex; plus strand). Cytogenetic location: 1p34.2.
Variant type: single nucleotide variant.
Coding change: c.2037+14T>C on transcript NM_001365999.1 (MANE Select); 14 bases into the intron after coding-DNA position 2037, T replaced by C.
Molecular consequence: intron variant.
Genome position (GRCh38, 1-based): chr1:43,422,897, T>C. VCF-style: chr1-43422897-T-C. GRCh37 (hg19) VCF-style: chr1-43888568-T-C.
Other names: c.2037+14T>C (NM_015284.4).
Identifiers: ClinVar variation 1626044 (VCV001626044.11), dbSNP rs183998762, ClinGen allele CA808593.

ClinVar aggregate classification (germline): Likely benign. Review status: criteria provided, multiple submitters, no conflicts (2 of 4 stars). 3 submissions from 3 submitters: Likely benign (3). Last evaluated 2025-10-01.

Allele frequency attached by ClinVar (database versions not stated): gnomAD exomes 0.00002 and 0.00003; ExAC 0.00003; gnomAD 0.00009; 1000 Genomes Project 30x 0.00016; TOPMed 0.00016; 1000 Genomes Project 0.00020.
gnomAD v4.1: 45 of 1,563,966 alleles (0.0029%); highest among the groups gnomAD compares: Admixed American, 0.038%; no homozygotes.

Submissions (3):

Labcorp Genetics (formerly Invitae), Labcorp
Classification: Likely benign. Last evaluated: 2025-10-01. Review status: criteria provided, single submitter. Criteria: Invitae Variant Classification Sherloc (09022015). Collection method: clinical testing. Allele origin: germline.

Blueprint Genetics
Classification: Likely benign. Last evaluated: 2024-07-03. Review status: criteria provided, single submitter. Criteria: ACMG Guidelines, 2015. Collection method: clinical testing. Allele origin: germline.

Women's Health and Genetics/Laboratory Corporation of America, LabCorp
Classification: Likely benign. Last evaluated: 2023-11-08. Review status: criteria provided, single submitter. Criteria: LabCorp Variant Classification Summary - May 2015. Collection method: clinical testing. Allele origin: germline.
Comment: Variant summary: C1orf84 (SZT2) c.2037+14T>C alters a non-conserved nucleotide located at a position not widely known to affect splicing. Consensus agreement among computation tools predict no significant impact on normal splicing. However, these predictions have yet to be confirmed by functional studies. The variant allele was found at a frequency of 3.9e-05 in 205692 control chromosomes (gnomAD). The available data on variant occurrences in the general population are insufficient to allow any conclusion about variant significance. To our knowledge, no occurrence of c.2037+14T>C in individuals affected with Early Infantile Epileptic Encephalopathy and no experimental evidence demonstrating its impact on protein function have been reported. One submitter has cited a clinical-significance assessment for this variant to ClinVar after 2014 and has classified the variant as likely benign. Based on the evidence outlined above, the variant was classified as likely benign.